The following is an entry in ClinVar:

ClinVar aggregate classification (germline): Benign. Review status: criteria provided, multiple submitters, no conflicts (2 of 4 stars). 9 submissions from 9 submitters: Benign (9). Last evaluated 2026-02-04.

Conditions:
Kabuki syndrome. Also called: Kabuki make-up syndrome; NIIKAWA-KUROKI SYNDROME. Identifiers: Orphanet 2322, MedGen C0796004, MONDO:0016512.

Allele frequency attached by ClinVar (database versions not stated): ESP Exome Variant Server 0.03809; gnomAD 0.06301 and 0.06736; TOPMed 0.08103; ExAC 0.09456; 1000 Genomes Project 30x 0.11961; 1000 Genomes Project 0.12280.
gnomAD v4.1: 92,415 of 1,613,506 alleles (5.7%); highest among the groups gnomAD compares: Admixed American, 28%; 5,881 homozygotes.

Submissions (9):

Labcorp Genetics (formerly Invitae), Labcorp
Classification: Benign for Kabuki syndrome. Last evaluated: 2026-02-04. Review status: criteria provided, single submitter. Criteria: Invitae Variant Classification Sherloc (09022015). Collection method: clinical testing. Allele origin: germline.

Mayo Clinic Laboratories, Mayo Clinic
Classification: Benign. Last evaluated: 2025-04-28. Review status: criteria provided, single submitter. Criteria: ACMG Guidelines, 2015. Collection method: clinical testing. Allele origin: germline. Observed: 2 variant alleles.
Comment: BA1

Blueprint Genetics
Classification: Benign. Last evaluated: 2024-11-27. Review status: criteria provided, single submitter. Criteria: ACMG Guidelines, 2015. Collection method: clinical testing. Allele origin: germline.

Unidad de Genómica Garrahan, Hospital de Pediatría Garrahan
Classification: Benign. Last evaluated: 2024-01-24. Review status: criteria provided, single submitter. Criteria: ACMG Guidelines, 2015. Collection method: clinical testing. Allele origin: germline. Affected: no. Observed: 40 variant alleles.
Comment: This variant is classified as Benign based on local population frequency. This variant was detected in 42% of patients studied by a panel of primary immunodeficiencies. Number of patients: 40. Only high quality variants are reported.

Eurofins Ntd Llc (ga)
Classification: Benign. Last evaluated: 2016-02-23. Review status: criteria provided, single submitter. Criteria: EGL Classification Definitions 2015. Collection method: clinical testing. Allele origin: germline. Observed: 74 variant alleles, 60 heterozygotes, 14 homozygotes.

GeneDx
Classification: Benign. Last evaluated: 2015-03-03. Review status: criteria provided, single submitter. Criteria: GeneDx Variant Classification Process June 2021. Collection method: clinical testing. Allele origin: germline. Affected: yes.

Genetic Services Laboratory, University of Chicago
Classification: Benign. Last evaluated: 2013-02-08. Review status: criteria provided, single submitter. Criteria: ACMG Guidelines, 2007. Collection method: clinical testing. Allele origin: germline. Inheritance: Autosomal dominant inheritance.

Breakthrough Genomics
Classification: Benign. Review status: criteria provided, single submitter. Criteria: ACMG Guidelines, 2015. Collection method: not provided. Allele origin: germline. Inheritance: Autosomal dominant inheritance. Affected: yes.

PreventionGenetics, part of Exact Sciences
Classification: Benign. Review status: criteria provided, single submitter. Criteria: ACMG Guidelines, 2015. Collection method: clinical testing. Allele origin: germline.

NM_003482.4(KMT2D):c.13689C>T (p.Pro4563=)

Gene: KMT2D (lysine methyltransferase 2D; minus strand). Cytogenetic location: 12q13.12.
Variant type: single nucleotide variant.
Coding change: c.13689C>T on transcript NM_003482.4 (MANE Select); coding-DNA position 13689, C replaced by T.
Protein change: p.Pro4563=; no amino-acid change (proline 4563 retained).
Molecular consequence: synonymous variant.
Genome position (GRCh38, 1-based): chr12:49,030,751, G>A on the plus strand (C>T on the coding strand, the complement: KMT2D is on the minus strand). VCF-style: chr12-49030751-G-A. GRCh37 (hg19) VCF-style: chr12-49424534-G-A.
Other names: p.Pro4563=.
Identifiers: ClinVar variation 94169 (VCV000094169.26), dbSNP rs11168830, ClinGen allele CA147674.